The following is an entry in ClinVar:

ClinVar aggregate classification (germline): Uncertain significance (1 of 4 stars; one submission).

Conditions:
Peroxisome biogenesis disorder 1A (Zellweger) (PBD1A). Also called: Peroxisome biogenesis disorder 1a; Zellweger leukodystrophy. Identifiers: MedGen C4721541, MONDO:0008953, OMIM 214100.

Submission:

Labcorp Genetics (formerly Invitae), Labcorp
Classification: Uncertain significance for Zellweger syndrome. Last evaluated: 2019-11-06. Review status: criteria provided, single submitter. Criteria: Invitae Variant Classification Sherloc (09022015). Collection method: clinical testing. Allele origin: germline.
Comment: This variant is a gross deletion of the genomic region encompassing exon 24 of the PEX1 gene. The 5' boundary is likely confined to intron 23. The 3' end of this event is unknown as it extends through the termination codon beyond the assayed region for this gene and may encompass additional genes. While this deletion is not anticipated to result in nonsense mediated decay, it is expected to create a truncated protein product or disrupt mRNA translation. This variant has been observed in individual(s) with clinical features of Zellweger syndrome (Invitae). In summary, the available evidence is currently insufficient to determine the role of this variant in disease. Therefore, it has been classified as a Variant of Uncertain Significance.

NC_000007.14:g.(?_92487437)_(92487561_?)del

Gene: PEX1 (peroxisomal biogenesis factor 1; minus strand). Cytogenetic location: 7q21.2.
Variant type: Deletion.
Identifiers: ClinVar variation 833085 (VCV000833085.1).